The following is an entry in ClinVar:

ClinVar aggregate classification (germline): Benign/Likely benign. Review status: criteria provided, multiple submitters, no conflicts (2 of 4 stars). 3 submissions from 3 submitters: Benign (1); Likely benign (1). 1 of the submissions does not count toward it. Last evaluated 2026-02-03.

Conditions:
NACC1-related disorder. Also called: NACC1-related condition.

Allele frequency attached by ClinVar (database versions not stated): gnomAD exomes 0.00067 and 0.00031; ESP Exome Variant Server 0.00023; 1000 Genomes Project 0.00040; gnomAD 0.00041 and 0.00042; TOPMed 0.00041; ExAC 0.00049.
gnomAD v4.1: 566 of 1,605,962 alleles (0.035%); highest among the groups gnomAD compares: Admixed American, 0.055%; 4 homozygotes.

Submissions (3):

Labcorp Genetics (formerly Invitae), Labcorp
Classification: Benign. Last evaluated: 2026-02-03. Review status: criteria provided, single submitter. Criteria: Invitae Variant Classification Sherloc (09022015). Collection method: clinical testing. Allele origin: germline.

Blueprint Genetics
Classification: Likely benign. Last evaluated: 2024-09-24. Review status: criteria provided, single submitter. Criteria: ACMG Guidelines, 2015. Collection method: clinical testing. Allele origin: germline.

PreventionGenetics, part of Exact Sciences
Classification: Benign for NACC1-related condition. Last evaluated: 2019-05-01. Review status: no assertion criteria provided. Collection method: clinical testing. Allele origin: germline. Not counted in ClinVar's aggregate classification.
Comment: This variant is classified as benign based on ACMG/AMP sequence variant interpretation guidelines (Richards et al. 2015 PMID: 25741868, with internal and published modifications).

NM_052876.4(NACC1):c.946+10C>T

Gene: NACC1 (nucleus accumbens associated 1; plus strand). Cytogenetic location: 19p13.13.
Variant type: single nucleotide variant.
Coding change: c.946+10C>T on transcript NM_052876.4 (MANE Select); 10 bases into the intron after coding-DNA position 946, C replaced by T.
Molecular consequence: intron variant.
Genome position (GRCh38, 1-based): chr19:13,136,163, C>T. VCF-style: chr19-13136163-C-T. GRCh37 (hg19) VCF-style: chr19-13246977-C-T.
Identifiers: ClinVar variation 724030 (VCV000724030.13), dbSNP rs187770184, ClinGen allele CA9238348.